The following is an entry in ClinVar:

NM_000213.5(ITGB4):c.1002+1G>C

Gene: ITGB4 (integrin subunit beta 4; plus strand). Cytogenetic location: 17q25.1.
Variant type: single nucleotide variant.
Coding change: c.1002+1G>C on transcript NM_000213.5 (MANE Select); the canonical splice donor site of the intron after coding-DNA position 1002, G replaced by C.
Molecular consequence: splice donor variant.
Genome position (GRCh38, 1-based): chr17:75,730,505, G>C. VCF-style: chr17-75730505-G-C. GRCh37 (hg19) VCF-style: chr17-73726586-G-C.
Other names: c.1002+1G>C (NM_001005619.2, NM_001005731.3, NM_001438834.1 and 1 more transcripts).
Identifiers: ClinVar variation 2771348 (VCV002771348.3), dbSNP rs1451070589, ClinGen allele CA401043314.

ClinVar aggregate classification (germline): Likely pathogenic (1 of 4 stars; one submission).

Allele frequency attached by ClinVar (database versions not stated): TOPMed below 0.00001.

Submission:

Labcorp Genetics (formerly Invitae), Labcorp
Classification: Likely pathogenic. Last evaluated: 2023-10-23. Review status: criteria provided, single submitter. Criteria: Invitae Variant Classification Sherloc (09022015). Collection method: clinical testing. Allele origin: germline.
Comment: This sequence change affects a donor splice site in intron 8 of the ITGB4 gene. It is expected to disrupt RNA splicing. Variants that disrupt the donor or acceptor splice site typically lead to a loss of protein function (PMID: 16199547), and loss-of-function variants in ITGB4 are known to be pathogenic (PMID: 11328943, 16473856). This variant is not present in population databases (gnomAD no frequency). This variant has not been reported in the literature in individuals affected with ITGB4-related conditions. Algorithms developed to predict the effect of sequence changes on RNA splicing suggest that this variant may disrupt the consensus splice site. In summary, the currently available evidence indicates that the variant is pathogenic, but additional data are needed to prove that conclusively. Therefore, this variant has been classified as Likely Pathogenic.

Literature cited by the submitters: PubMed 16199547; PubMed 11328943; PubMed 16473856.